The following is an entry in ClinVar:

ClinVar aggregate classification (germline): Likely benign (0 of 4 stars; one submission).

Conditions:
CILP-related disorder. Also called: CILP-related condition.

Allele frequency attached by ClinVar (database versions not stated): 1000 Genomes Project 30x 0.00031; 1000 Genomes Project 0.00040; ESP Exome Variant Server 0.00077; TOPMed 0.00090; gnomAD 0.00119; ExAC 0.00124; gnomAD exomes 0.00126.

Submission:

PreventionGenetics, part of Exact Sciences
Classification: Likely benign for CILP-related condition. Last evaluated: 2019-10-28. Review status: no assertion criteria provided. Collection method: clinical testing. Allele origin: germline.
Comment: This variant is classified as likely benign based on ACMG/AMP sequence variant interpretation guidelines (Richards et al. 2015 PMID: 25741868, with internal and published modifications).

NM_003613.4(CILP):c.1458G>A (p.Thr486=)

Gene: CILP (cartilage intermediate layer protein; minus strand). Cytogenetic location: 15q22.31.
Variant type: single nucleotide variant.
Coding change: c.1458G>A on transcript NM_003613.4 (MANE Select); coding-DNA position 1458, G replaced by A.
Protein change: p.Thr486=; no amino-acid change (threonine 486 retained).
Molecular consequence: synonymous variant.
Genome position (GRCh38, 1-based): chr15:65,198,828, C>T on the plus strand (G>A on the coding strand, the complement: CILP is on the minus strand). VCF-style: chr15-65198828-C-T. GRCh37 (hg19) VCF-style: chr15-65491166-C-T.
Identifiers: ClinVar variation 3046088 (VCV003046088.2), dbSNP rs142684447, ClinGen allele CA7615510.